The following is an entry in ClinVar:

ClinVar aggregate classification (germline): Uncertain significance (1 of 4 stars; one submission).

Allele frequency attached by ClinVar (database versions not stated): ExAC 0.00004; gnomAD 0.00007; TOPMed 0.00007; ESP Exome Variant Server 0.00008; gnomAD exomes 0.00016.
gnomAD v4.1: 242 of 1,613,608 alleles (0.015%); highest among the groups gnomAD compares: Non-Finnish European, 0.02%; 1 homozygote.

Submission:

Ambry Genetics
Classification: Uncertain significance. Last evaluated: 2023-12-22. Review status: criteria provided, single submitter. Criteria: Ambry Variant Classification Scheme 2023. Collection method: clinical testing. Allele origin: germline.
Comment: The p.R1059H variant (also known as c.3176G>A), located in coding exon 19 of the PKP4 gene, results from a G to A substitution at nucleotide position 3176. The arginine at codon 1059 is replaced by histidine, an amino acid with highly similar properties. This amino acid position is conserved. In addition, this alteration is predicted to be tolerated by in silico analysis. Since supporting evidence is limited at this time, the clinical significance of this alteration remains unclear.

NM_003628.6(PKP4):c.3176G>A (p.Arg1059His)

Genes: PKP4 (plakophilin 4; plus strand), PKP4-AS1 (PKP4 antisense RNA 1; minus strand). Cytogenetic location: 2q24.1.
Variant type: single nucleotide variant.
Coding change: c.3176G>A on transcript NM_003628.6 (MANE Select); coding-DNA position 3176, G replaced by A.
Protein change: p.Arg1059His; replaces arginine 1059 with histidine.
Molecular consequence: missense variant. On other transcripts: intron variant (3).
Genome position (GRCh38, 1-based): chr2:158,676,787, G>A. VCF-style: chr2-158676787-G-A. GRCh37 (hg19) VCF-style: chr2-159533299-G-A.
Other names: c.3125-1794G>A (NM_001377226.1); c.3128-1794G>A (NM_001377225.1, NM_001005476.4); c.3173G>A, p.Arg1058His (NM_001304969.3, NM_001377219.1, NM_001377220.1 and 1 more transcripts); c.2147G>A, p.Arg716His (NM_001304970.3); c.3176G>A, p.Arg1059His (NM_001377218.1); c.3170G>A, p.Arg1057His (NM_001377222.1, NM_001377223.1); c.3167G>A, p.Arg1056His (NM_001377224.1); short protein forms R1057H, R1058H, R716H, R1056H, R1059H.
Identifiers: ClinVar variation 1728483 (VCV001728483.2), dbSNP rs144056673, ClinGen allele CA1921242.
Genomic context (GRCh38, chr2:158,676,787, plus strand): 5'-CTCTCCCTTCAGTCGGCAGCACCTCTTCCTCACCAGCACTGTTAGGAATCAGAGACCCTC[G>A]CTCTGAATACGATAGGACCCAGCCACCTATGCAGTATTACAATAGCCAAGGGGATGCCAC-3'
Protein context (NP_003619.2, residues 1049-1069): SPALLGIRDP[Arg1059His]SEYDRTQPPM